The following is an entry in ClinVar:

NM_000535.7(PMS2):c.1280G>T (p.Arg427Leu)

Gene: PMS2 (PMS1 homolog 2, mismatch repair system component; minus strand). Cytogenetic location: 7p22.1.
Variant type: single nucleotide variant.
Coding change: c.1280G>T on transcript NM_000535.7 (MANE Select); coding-DNA position 1280, G replaced by T.
Protein change: p.Arg427Leu; replaces arginine 427 with leucine.
Molecular consequence: missense variant. On other transcripts: non-coding transcript variant (1), intron variant (1).
Genome position (GRCh38, 1-based): chr7:5,987,485, C>A on the plus strand (G>T on the coding strand, the complement: PMS2 is on the minus strand). VCF-style: chr7-5987485-C-A. GRCh37 (hg19) VCF-style: chr7-6027116-C-A.
Other names: c.875G>T, p.Arg292Leu (NM_001018040.1, NM_001322003.2, NM_001322004.2 and 17 more transcripts); c.1124G>T, p.Arg375Leu (NM_001322006.2, NM_001406870.1); c.962G>T, p.Arg321Leu (NM_001322007.2, NM_001322008.2, NM_001406876.1 and 2 more transcripts); c.719G>T, p.Arg240Leu (NM_001322010.2, NM_001406906.1, NM_001406907.1); c.347G>T, p.Arg116Leu (NM_001322011.2, NM_001322012.2); c.1082G>T, p.Arg361Leu (NM_001406873.1); c.1112G>T, p.Arg371Leu (NM_001406874.1); c.971G>T, p.Arg324Leu (NM_001406875.1, NM_001406877.1, NM_001406878.1 and 5 more transcripts); and 13 more; short protein forms R116L, R256L, R315L, R427L, R489L, R240L, R269L, R435L.
Identifiers: ClinVar variation 2828578 (VCV002828578.3), dbSNP rs112902065, ClinGen allele CA366742425.

ClinVar aggregate classification (germline): Uncertain significance (1 of 4 stars; one submission).

Conditions:
Hereditary nonpolyposis colorectal neoplasms. Identifiers: MedGen C0009405, MeSH D003123.

Submission:

Labcorp Genetics (formerly Invitae), Labcorp
Classification: Uncertain significance for Hereditary nonpolyposis colorectal neoplasms. Last evaluated: 2023-01-14. Review status: criteria provided, single submitter. Criteria: Invitae Variant Classification Sherloc (09022015). Collection method: clinical testing. Allele origin: germline.
Comment: In summary, the available evidence is currently insufficient to determine the role of this variant in disease. Therefore, it has been classified as a Variant of Uncertain Significance. Advanced modeling of protein sequence and biophysical properties (such as structural, functional, and spatial information, amino acid conservation, physicochemical variation, residue mobility, and thermodynamic stability) performed at Invitae indicates that this missense variant is not expected to disrupt PMS2 protein function. This variant has not been reported in the literature in individuals affected with PMS2-related conditions. This variant is not present in population databases (gnomAD no frequency). This sequence change replaces arginine, which is basic and polar, with leucine, which is neutral and non-polar, at codon 427 of the PMS2 protein (p.Arg427Leu).